The following is an entry in ClinVar:

NM_172351.3(CD46):c.97G>T (p.Asp33Tyr)

Genes: CD46 (CD46 molecule; plus strand), LOC129932405 (ATAC-STARR-seq lymphoblastoid active region 2449; plus strand). Cytogenetic location: 1q32.2.
Variant type: single nucleotide variant.
Coding change: c.97G>T on transcript NM_172351.3 (MANE Select); coding-DNA position 97, G replaced by T.
Protein change: p.Asp33Tyr; replaces aspartic acid 33 with tyrosine.
Molecular consequence: missense variant.
Genome position (GRCh38, 1-based): chr1:207,752,309, G>T. VCF-style: chr1-207752309-G-T. GRCh37 (hg19) VCF-style: chr1-207925654-G-T.
Other names: c.97G>T, p.Asp33Tyr (NM_002389.4, NM_153826.4, NM_172350.3 and 8 more transcripts); short protein forms D33Y.
Identifiers: ClinVar variation 2129654 (VCV002129654.4), dbSNP rs2102512645, ClinGen allele CA344547876.

ClinVar aggregate classification (germline): Uncertain significance (1 of 4 stars; one submission).

Allele frequency attached by ClinVar (database versions not stated): gnomAD exomes below 0.00001.
gnomAD v4.1: 1 of 1,613,704 alleles (0.000062%); highest among the groups gnomAD compares: Non-Finnish European, 0.000085%; no homozygotes.

Submission:

Labcorp Genetics (formerly Invitae), Labcorp
Classification: Uncertain significance. Last evaluated: 2022-09-08. Review status: criteria provided, single submitter. Criteria: Invitae Variant Classification Sherloc (09022015). Collection method: clinical testing. Allele origin: germline.
Comment: In summary, the available evidence is currently insufficient to determine the role of this variant in disease. Therefore, it has been classified as a Variant of Uncertain Significance. Variants that disrupt the consensus splice site are a relatively common cause of aberrant splicing (PMID: 17576681, 9536098). Algorithms developed to predict the effect of sequence changes on RNA splicing suggest that this variant may disrupt the consensus splice site. Algorithms developed to predict the effect of missense changes on protein structure and function are either unavailable or do not agree on the potential impact of this missense change (SIFT: "Tolerated"; PolyPhen-2: "Probably Damaging"; Align-GVGD: "Class C0"). This variant has not been reported in the literature in individuals affected with CD46-related conditions. This variant is not present in population databases (gnomAD no frequency). This sequence change affects codon 33 of the CD46 mRNA. It is a 'silent' change, meaning that it does not change the encoded amino acid sequence of the CD46 protein. This variant also falls at the last nucleotide of exon 1, which is part of the consensus splice site for this exon.

Literature cited by the submitters: PubMed 17576681; PubMed 9536098.